The following is an entry in ClinVar:

ClinVar aggregate classification (germline): Uncertain significance (1 of 4 stars; one submission).

Conditions:
Retinitis pigmentosa 12 (RP12). Also called: RP WITH OR WITHOUT PPRPE; RP WITH OR WITHOUT PRESERVED PARAARTERIOLE RETINAL PIGMENT EPITHELIUM; RETINITIS PIGMENTOSA WITH OR WITHOUT PARAARTERIOLAR PRESERVATION OF RETINAL PIGMENT EPITHELIUM. Identifiers: Orphanet 791, MedGen C1838647, MONDO:0010818, OMIM 600105.
Leber congenital amaurosis 8 (LCA8). Identifiers: Orphanet 65, MedGen C3151202, MONDO:0013453, OMIM 613835.

Allele frequency attached by ClinVar (database versions not stated): ESP Exome Variant Server 0.00008; 1000 Genomes Project 30x 0.00016; 1000 Genomes Project 0.00020.
gnomAD v4.1: 4 of 1,614,048 alleles (0.00025%); highest among the groups gnomAD compares: East Asian, 0.0067%; no homozygotes.

Submission:

Labcorp Genetics (formerly Invitae), Labcorp
Classification: Uncertain significance for Leber congenital amaurosis 8; Retinitis pigmentosa 12. Last evaluated: 2021-09-01. Review status: criteria provided, single submitter. Criteria: Invitae Variant Classification Sherloc (09022015). Collection method: clinical testing. Allele origin: germline.
Comment: This sequence change replaces serine with glycine at codon 758 of the CRB1 protein (p.Ser758Gly). The serine residue is moderately conserved and there is a small physicochemical difference between serine and glycine. This variant is present in population databases (rs201700675, ExAC 0.02%). This variant has not been reported in the literature in individuals affected with CRB1-related conditions. Algorithms developed to predict the effect of missense changes on protein structure and function output the following: SIFT: "Tolerated"; PolyPhen-2: "Benign"; Align-GVGD: "Class C0". The glycine amino acid residue is found in multiple mammalian species, which suggests that this missense change does not adversely affect protein function. In summary, the available evidence is currently insufficient to determine the role of this variant in disease. Therefore, it has been classified as a Variant of Uncertain Significance.

NM_201253.3(CRB1):c.2272A>G (p.Ser758Gly)

Gene: CRB1 (crumbs cell polarity complex component 1; plus strand). Cytogenetic location: 1q31.3.
Variant type: single nucleotide variant.
Coding change: c.2272A>G on transcript NM_201253.3 (MANE Select); coding-DNA position 2272, A replaced by G.
Protein change: p.Ser758Gly; replaces serine 758 with glycine.
Molecular consequence: missense variant. On other transcripts: non-coding transcript variant (2), intron variant (1).
Genome position (GRCh38, 1-based): chr1:197,427,597, A>G. VCF-style: chr1-197427597-A-G. GRCh37 (hg19) VCF-style: chr1-197396727-A-G.
Other names: c.1936A>G, p.Ser646Gly (NM_001193640.2); c.2065A>G, p.Ser689Gly (NM_001257965.2); c.2128+5641A>G (NM_001257966.2); short protein forms S758G, S646G, S689G.
Identifiers: ClinVar variation 2170117 (VCV002170117.1), dbSNP rs201700675, ClinGen allele CA1312088.